The following is an entry in ClinVar:

ClinVar aggregate classification (germline): Conflicting classifications of pathogenicity. Review status: criteria provided, conflicting classifications (1 of 4 stars). 3 submissions from 3 submitters: Uncertain significance (2); Likely benign (1). Last evaluated 2024-02-28.

Conditions:
Charcot-Marie-Tooth disease axonal type 2O. Also called: CHARCOT-MARIE-TOOTH NEUROPATHY, AXONAL, TYPE 2O; CHARCOT-MARIE-TOOTH DISEASE, AXONAL, AUTOSOMAL DOMINANT, TYPE 2O; Charcot-Marie-Tooth Neuropathy Type 2O; Charcot-Marie-Tooth disease, axonal, type 20. Identifiers: Orphanet 284232, MedGen C3280220, MONDO:0013644, OMIM 614228.
Inborn genetic diseases. Identifiers: MedGen C0950123, MeSH D030342.

Allele frequency attached by ClinVar (database versions not stated): gnomAD exomes below 0.00001; gnomAD 0.00001; ExAC 0.00002.
gnomAD v4.1: 8 of 1,614,032 alleles (0.0005%); highest among the groups gnomAD compares: Admixed American, 0.0017%; no homozygotes.

Submissions (3):

Ambry Genetics
Classification: Uncertain significance for Inborn genetic diseases. Last evaluated: 2024-02-28. Review status: criteria provided, single submitter. Criteria: Ambry Variant Classification Scheme 2023. Collection method: clinical testing. Allele origin: germline.

GeneDx
Classification: Uncertain significance. Last evaluated: 2023-02-03. Review status: criteria provided, single submitter. Criteria: GeneDx Variant Classification Process June 2021. Collection method: clinical testing. Allele origin: germline. Affected: yes.
Comment: In silico analysis supports that this missense variant has a deleterious effect on protein structure/function; Has not been previously published as pathogenic or benign to our knowledge; This variant is associated with the following publications: (PMID: 25512093, 26100331, 25609763)

Labcorp Genetics (formerly Invitae), Labcorp
Classification: Likely benign for Charcot-Marie-Tooth disease axonal type 2O. Last evaluated: 2022-11-10. Review status: criteria provided, single submitter. Criteria: Invitae Variant Classification Sherloc (09022015). Collection method: clinical testing. Allele origin: germline.

NM_001376.5(DYNC1H1):c.12076G>A (p.Asp4026Asn)

Gene: DYNC1H1 (dynein cytoplasmic 1 heavy chain 1; plus strand). Cytogenetic location: 14q32.31.
Variant type: single nucleotide variant.
Coding change: c.12076G>A on transcript NM_001376.5 (MANE Select); coding-DNA position 12076, G replaced by A.
Protein change: p.Asp4026Asn; replaces aspartic acid 4026 with asparagine.
Molecular consequence: missense variant.
Genome position (GRCh38, 1-based): chr14:102,041,708, G>A. VCF-style: chr14-102041708-G-A. GRCh37 (hg19) VCF-style: chr14-102508045-G-A.
Other names: short protein forms D4026N.
Identifiers: ClinVar variation 1749002 (VCV001749002.8), dbSNP rs768636289, ClinGen allele CA7353814.